The following is an entry in ClinVar:

NM_000136.3(FANCC):c.690G>A (p.Lys230=)

Genes: AOPEP (aminopeptidase O (putative); plus strand), FANCC (FA complementation group C; minus strand). Cytogenetic location: 9q22.32.
Variant type: single nucleotide variant.
Coding change: c.690G>A on transcript NM_000136.3 (MANE Select); coding-DNA position 690, G replaced by A.
Protein change: p.Lys230=; no amino-acid change (lysine 230 retained).
Molecular consequence: synonymous variant.
Genome position (GRCh38, 1-based): chr9:95,135,499, C>T on the plus strand (G>A on the coding strand, the complement: FANCC is on the minus strand). VCF-style: chr9-95135499-C-T. GRCh37 (hg19) VCF-style: chr9-97897781-C-T.
Other names: c.690G>A, p.Lys230= (NM_001243743.2, NM_001243744.2); c.690G>A (NM_000136.2).
Identifiers: ClinVar variation 1161014 (VCV001161014.10), dbSNP rs199744457, ClinGen allele CA196562637.

ClinVar aggregate classification (germline): Conflicting classifications of pathogenicity. Review status: criteria provided, conflicting classifications (1 of 4 stars). 2 submissions from 2 submitters: Uncertain significance (1); Likely benign (1). Last evaluated 2025-09-19.

Conditions:
Fanconi anemia (FA). Also called: Fanconi's anemia. Identifiers: Orphanet 84, MedGen C0015625, MeSH D005199, MONDO:0019391.

Allele frequency attached by ClinVar (database versions not stated): gnomAD 0.00001; gnomAD exomes 0.00001; 1000 Genomes Project 30x 0.00016; 1000 Genomes Project 0.00020.
gnomAD v4.1: 3 of 1,613,774 alleles (0.00019%); highest among the groups gnomAD compares: East Asian, 0.0067%; no homozygotes.

Submissions (2):

Quest Diagnostics Nichols Institute San Juan Capistrano
Classification: Uncertain significance. Last evaluated: 2025-09-19. Review status: criteria provided, single submitter. Criteria: Quest Diagnostics criteria. Collection method: clinical testing. Allele origin: unknown.
Comment: The FANCC c.690G>A (p.Lys230=) synonymous variant has not been reported in individuals with FANCC-related conditions in the published literature. The frequency of this variant in the general population (Genome Aggregation Database) is uninformative in the assessment of its pathogenicity. Analysis of this variant using software algorithms for the prediction of the effect of nucleotide changes on splicing yielded predictions that this variant does not affect FANCC mRNA splicing. Based on the available information, we are unable to determine the clinical significance of this variant.

Labcorp Genetics (formerly Invitae), Labcorp
Classification: Likely benign for Fanconi anemia. Last evaluated: 2024-04-05. Review status: criteria provided, single submitter. Criteria: Invitae Variant Classification Sherloc (09022015). Collection method: clinical testing. Allele origin: germline.